The following is an entry in ClinVar:

NM_000038.6(APC):c.508_509del (p.Ile169_Asp170insTer)

Gene: APC (APC regulator of Wnt signaling pathway; plus strand). Cytogenetic location: 5q22.2.
Variant type: Deletion.
Coding change: c.508_509del on transcript NM_000038.6 (MANE Select); coding-DNA positions 508 to 509, 2 bases deleted (GA; older notation c.508_509delGA).
Protein change: p.Ile169_Asp170insTer.
Molecular consequence: nonsense. On other transcripts: 5 prime UTR variant (1).
Genome position (GRCh38, 1-based): chr5:112,775,714-112,775,715, GA deleted; deleting any 2 consecutive bases within chr5:112,775,713-112,775,715 gives the same sequence; the c. name uses the placement nearest the transcript's 3' end. VCF-style (leftmost placement, unchanged base first): chr5-112775712-TAG-T. GRCh37 (hg19) VCF-style: chr5-112111409-TAG-T.
Other names: c.508_509del, p.Ile169_Asp170insTer (NM_001127510.3, NM_001354895.2, NM_001354896.2 and 2 more transcripts); c.538_539del, p.Ile179_Asp180insTer (NM_001127511.3, NM_001354897.2, NM_001354902.2); c.433_434del, p.Ile144_Asp145insTer (NM_001354898.2, NM_001354904.2); c.331_332del, p.Ile110_Asp111insTer (NM_001354900.2, NM_001354901.2, NM_001354905.2); c.-528_-527del (NM_001354906.2).
Identifiers: ClinVar variation 265581 (VCV000265581.12), dbSNP rs886039642, ClinGen allele CA10588376.

ClinVar aggregate classification (germline): Pathogenic/Likely pathogenic. Review status: criteria provided, multiple submitters, no conflicts (2 of 4 stars). 3 submissions from 3 submitters: Pathogenic (2); Likely pathogenic (1). Last evaluated 2025-04-08.

Conditions:
Familial adenomatous polyposis 1 (FAP1). Also called: FAMILIAL ADENOMATOUS POLYPOSIS 1, ATTENUATED; POLYPOSIS, ADENOMATOUS INTESTINAL. Identifiers: MedGen C2713442, MONDO:0021056, OMIM 175100. Disease mechanism: loss of function.

Submissions (3):

Myriad Genetics, Inc.
Classification: Pathogenic for Familial adenomatous polyposis 1. Last evaluated: 2025-04-08. Review status: criteria provided, single submitter. Criteria: Myriad Autosomal Dominant, Autosomal Recessive and X-Linked Classification Criteria (2023). Collection method: clinical testing. Allele origin: unknown.
Comment: This variant is considered pathogenic. This variant creates a termination codon and is predicted to result in premature protein truncation.

Labcorp Genetics (formerly Invitae), Labcorp
Classification: Pathogenic for Familial adenomatous polyposis 1. Last evaluated: 2018-03-05. Review status: criteria provided, single submitter. Criteria: Invitae Variant Classification Sherloc (09022015). Collection method: clinical testing. Allele origin: germline.
Comment: This variant is not present in population databases (ExAC no frequency). For these reasons, this variant has been classified as Pathogenic. Loss-of-function variants in APC are known to be pathogenic (PMID: 17963004, 20685668). This variant has been reported in an individual affected with familial adenomatous polyposis and papillary thyroid carcinoma (PMID: 27623068). ClinVar contains an entry for this variant (Variation ID: 265581). This sequence change creates a premature translational stop signal (p.Asp170*) in the APC gene. It is expected to result in an absent or disrupted protein product.

GeneDx
Classification: Likely pathogenic. Last evaluated: 2017-03-10. Review status: criteria provided, single submitter. Criteria: GeneDx Variant Classification (06012015). Collection method: clinical testing. Allele origin: germline. Affected: yes.
Comment: This apparently mosaic deletion of two nucleotides is denoted APC c.508_509delGA at the cDNA leveland p.Asp170Ter (D170X) at the protein level. The normal sequence, with the bases that are deleted in braces, isAATA{GA}TAGT. The deletion creates a nonsense variant, which changes an Aspartic Acid to a premature stop codon.Although this variant has not been previously reported to our knowledge, it is predicted to cause loss of normal proteinfunction through either protein truncation or nonsense-mediated mRNA decay, and is considered likely pathogenic.

Literature cited by the submitters: PubMed 17963004 (cited by Labcorp Genetics (formerly Invitae), Labcorp); PubMed 20685668 (cited by Labcorp Genetics (formerly Invitae), Labcorp); PubMed 27623068 (cited by Labcorp Genetics (formerly Invitae), Labcorp).